The following is an entry in ClinVar:

NM_024854.5(PYROXD1):c.109G>T (p.Asp37Tyr)

Gene: PYROXD1 (pyridine nucleotide-disulphide oxidoreductase domain 1; plus strand). Cytogenetic location: 12p12.1.
Variant type: single nucleotide variant.
Coding change: c.109G>T on transcript NM_024854.5 (MANE Select); coding-DNA position 109, G replaced by T.
Protein change: p.Asp37Tyr; replaces aspartic acid 37 with tyrosine.
Molecular consequence: missense variant. On other transcripts: 5 prime UTR variant (2).
Genome position (GRCh38, 1-based): chr12:21,440,392, G>T. VCF-style: chr12-21440392-G-T. GRCh37 (hg19) VCF-style: chr12-21593326-G-T.
Other names: c.-105G>T (NM_001350912.2); c.-595G>T (NM_001350913.2); short protein forms D37Y.
Identifiers: ClinVar variation 1994143 (VCV001994143.4), dbSNP rs2137237875, ClinGen allele CA384298700.
Genomic context (GRCh38, chr12:21,440,392, plus strand): 5'-TTGTCCTAATTTTTTTTCTCTCTTTTTAAAAATAAGTTGGCTACTCACTTTCCATCGGAA[G>T]ATATTCTCTTGGTAACAGCTTCTCCTGTTATTAAAGCAGTTACAAATTTCAAGCAGGTAA-3'
Protein context (NP_079130.2, residues 27-47): EQLATHFPSE[Asp37Tyr]ILLVTASPVI

ClinVar aggregate classification (germline): Uncertain significance (1 of 4 stars; one submission).

Submission:

Labcorp Genetics (formerly Invitae), Labcorp
Classification: Uncertain significance. Last evaluated: 2022-05-13. Review status: criteria provided, single submitter. Criteria: Invitae Variant Classification Sherloc (09022015). Collection method: clinical testing. Allele origin: germline.
Comment: This sequence change replaces aspartic acid, which is acidic and polar, with tyrosine, which is neutral and polar, at codon 37 of the PYROXD1 protein (p.Asp37Tyr). This variant is not present in population databases (gnomAD no frequency). This variant has not been reported in the literature in individuals affected with PYROXD1-related conditions. Algorithms developed to predict the effect of missense changes on protein structure and function are either unavailable or do not agree on the potential impact of this missense change (SIFT: "Deleterious"; PolyPhen-2: "Possibly Damaging"; Align-GVGD: "Class C0"). In summary, the available evidence is currently insufficient to determine the role of this variant in disease. Therefore, it has been classified as a Variant of Uncertain Significance.